The following is an entry in ClinVar:

ClinVar aggregate classification (germline): Uncertain significance (1 of 4 stars; one submission).

Conditions:
Salla disease (SD). Also called: Less Severe FSASD (Salla Disease); Sialuria, Finnish type; N-acetylneuraminic acid (NANA) storage disease (NSD); Infantile sialic acid storage disorder (ISSD). Identifiers: Orphanet 309334, Orphanet 834, MedGen C1096903, MONDO:0011449, OMIM 604369.

Allele frequency attached by ClinVar (database versions not stated): gnomAD exomes 0.00001.
gnomAD v4.1: 4 of 1,614,112 alleles (0.00025%); no homozygotes.

Submission:

Labcorp Genetics (formerly Invitae), Labcorp
Classification: Uncertain significance for Salla disease. Last evaluated: 2022-06-30. Review status: criteria provided, single submitter. Criteria: Invitae Variant Classification Sherloc (09022015). Collection method: clinical testing. Allele origin: germline.
Comment: In summary, the available evidence is currently insufficient to determine the role of this variant in disease. Therefore, it has been classified as a Variant of Uncertain Significance. Algorithms developed to predict the effect of missense changes on protein structure and function output the following: SIFT: "Tolerated"; PolyPhen-2: "Benign"; Align-GVGD: "Class C0". The valine amino acid residue is found in multiple mammalian species, which suggests that this missense change does not adversely affect protein function. This variant has not been reported in the literature in individuals affected with SLC17A5-related conditions. This variant is present in population databases (no rsID available, gnomAD 0.004%). This sequence change replaces isoleucine, which is neutral and non-polar, with valine, which is neutral and non-polar, at codon 44 of the SLC17A5 protein (p.Ile44Val).

NM_012434.5(SLC17A5):c.130A>G (p.Ile44Val)

Gene: SLC17A5 (solute carrier family 17 member 5; minus strand). Cytogenetic location: 6q13.
Variant type: single nucleotide variant.
Coding change: c.130A>G on transcript NM_012434.5 (MANE Select); coding-DNA position 130, A replaced by G.
Protein change: p.Ile44Val; replaces isoleucine 44 with valine.
Molecular consequence: missense variant. On other transcripts: intron variant (2).
Genome position (GRCh38, 1-based): chr6:73,644,568, T>C on the plus strand (A>G on the coding strand, the complement: SLC17A5 is on the minus strand). VCF-style: chr6-73644568-T-C. GRCh37 (hg19) VCF-style: chr6-74354291-T-C.
Other names: c.130A>G, p.Ile44Val (NM_001382630.1, NM_001382632.1, NM_001382633.1 and 2 more transcripts); c.151A>G, p.Ile51Val (NM_001382631.1); c.61-2644A>G (NM_001382636.1, NM_001382629.1); short protein forms I44V, I51V.
Identifiers: ClinVar variation 1911556 (VCV001911556.5), dbSNP rs1346438531, ClinGen allele CA364719334.